The following is an entry in ClinVar:

ClinVar aggregate classification (germline): Pathogenic, low penetrance. Review status: criteria provided, single submitter (1 of 4 stars). 2 submissions from 2 submitters: Pathogenic, low penetrance (1). 1 of the submissions does not count toward it. Last evaluated 2025-10-02.

Conditions:
Atypical hemolytic-uremic syndrome. Identifiers: Orphanet 2134, MedGen C2931788, MONDO:0016244.

Submissions (3):

Genomenon, Inc
Classification: Pathogenic, low penetrance for Atypical hemolytic-uremic syndrome. Last evaluated: 2025-10-02. Review status: criteria provided, single submitter. Criteria: Genomenon Sequence Variant Interpretation Standards. Collection method: curation. Allele origin: germline. Affected: yes.
Comment: CD46 c.476-1G>A is a canonical splice variant located in the acceptor splice region in intron 4. It is predicted to affect mRNA splicing, leading to a deleterious effect on the CD46 protein. This variant has been observed in at least one proband affected with atypical hemolytic-uremic syndrome (PMID:28844315). It is absent or not present at a significant frequency in gnomAD. In conclusion, we classify CD46 c.476-1G>A as a pathogenic variant.

Sydney Genome Diagnostics, Children's Hospital Westmead
Classification: Pathogenic for Atypical hemolytic-uremic syndrome. Last evaluated: 2018-08-28. Review status: no assertion criteria provided. Collection method: clinical testing. Allele origin: unknown. Affected: yes. Observed: 1 variant allele, 1 heterozygote. Not counted in ClinVar's aggregate classification.
Comment: To our knowledge, this variant has not been previously reported and no frequency data is available. In silico analysis (Alamut Visual v2.7.2) predicts that this variant abolishes the consensus splice acceptor site at c.476, resulting in the skipping of exon 5, and is likely to be pathogenic.

Dr. Peter K. Rogan Lab, Western University
No classification provided (evidence only). Condition: Nonpapillary renal cell carcinoma. Review status: no classification provided. Collection method: in vitro. Allele origin: not applicable. Functional consequence: skipped exon, retained intron. Not counted in ClinVar's aggregate classification.

Literature cited by the submitters: PubMed 28844315 (cited by Genomenon, Inc).

NM_172351.3(CD46):c.476-1G>A

Gene: CD46 (CD46 molecule; plus strand). Cytogenetic location: 1q32.2.
Variant type: single nucleotide variant.
Coding change: c.476-1G>A on transcript NM_172351.3 (MANE Select); the canonical splice acceptor site of the intron before coding-DNA position 476, G replaced by A.
Molecular consequence: splice acceptor variant.
Genome position (GRCh38, 1-based): chr1:207,761,248, G>A. VCF-style: chr1-207761248-G-A. GRCh37 (hg19) VCF-style: chr1-207934593-G-A.
Other names: NC_000001.10:g.207934593G>A; c.476-1G>A (NM_002389.4, NM_172359.3, NM_153826.4 and 8 more transcripts).
Identifiers: ClinVar variation 988245 (VCV000988245.3), dbSNP rs1441390681, ClinGen allele CA344548779.